The following is an entry in ClinVar:

ClinVar aggregate classification (germline): Conflicting classifications of pathogenicity. Review status: criteria provided, conflicting classifications (1 of 4 stars). 4 submissions from 4 submitters: Uncertain significance (3); Likely benign (1). Last evaluated 2026-03-30.

Conditions:
COL1A1-related disorder. Also called: COL1A1- related disease; COL1A1-related condition.
Cardiovascular phenotype. Identifiers: MedGen CN230736.
Osteogenesis imperfecta type I (OI1). Also called: OI, TYPE I; OSTEOGENESIS IMPERFECTA TARDA; OSTEOGENESIS IMPERFECTA WITH BLUE SCLERAE; Classic Non-deforming Osteogenesis Imperfecta with Blue Sclerae; Osteogenesis imperfecta type 1; Lobstein's Disease. Identifiers: Orphanet 216796, Orphanet 666, MedGen C0023931, MONDO:0008146, OMIM 166200. Disease mechanism: loss of function.

Allele frequency attached by ClinVar (database versions not stated): gnomAD exomes 0.00001; ExAC 0.00002; gnomAD 0.00005 and 0.00006; 1000 Genomes Project 0.00020; TOPMed 0.00023; 1000 Genomes Project 30x 0.00031.
gnomAD v4.1: 20 of 1,611,168 alleles (0.0012%); highest among the groups gnomAD compares: Admixed American, 0.02%; no homozygotes.

Submissions (4):

PreventionGenetics, part of Exact Sciences
Classification: Uncertain significance for COL1A1-related condition. Last evaluated: 2026-03-30. Review status: criteria provided, single submitter. Criteria: ACMG Guidelines, 2015. Collection method: clinical testing. Allele origin: germline.
Comment: The COL1A1 c.2405G>A variant is predicted to result in the amino acid substitution p.Arg802His. To our knowledge, this variant has not been reported in the literature. This variant is reported in 0.0029% of alleles in individuals of Latino descent in gnomAD. At this time, the clinical significance of this variant is uncertain due to the absence of conclusive functional and genetic evidence.

Labcorp Genetics (formerly Invitae), Labcorp
Classification: Likely benign for Osteogenesis imperfecta type I. Last evaluated: 2025-11-21. Review status: criteria provided, single submitter. Criteria: Invitae Variant Classification Sherloc (09022015). Collection method: clinical testing. Allele origin: germline.

Ambry Genetics
Classification: Uncertain significance for Cardiovascular phenotype. Last evaluated: 2025-07-22. Review status: criteria provided, single submitter. Criteria: Ambry Variant Classification Scheme 2023. Collection method: clinical testing. Allele origin: germline.
Comment: The p.R802H variant (also known as c.2405G>A), located in coding exon 35 of the COL1A1 gene, results from a G to A substitution at nucleotide position 2405. The arginine at codon 802 is replaced by histidine, an amino acid with highly similar properties. This amino acid position is highly conserved in available vertebrate species. In addition, the in silico prediction for this alteration is inconclusive. Based on the available evidence, the clinical significance of this variant remains unclear.

GeneDx
Classification: Uncertain significance. Last evaluated: 2024-12-26. Review status: criteria provided, single submitter. Criteria: GeneDx Variant Classification Process June 2021. Collection method: clinical testing. Allele origin: germline. Affected: yes.
Comment: Has not been previously published as pathogenic or benign to our knowledge; Not observed at significant frequency in large population cohorts (gnomAD); In silico analysis supports that this missense variant has a deleterious effect on protein structure/function; Occurs in the triple helical domain at the Y position in the canonical Gly-X-Y repeat; although this variant may have an effect on normal protein folding and function, missense substitution at the Y position is not a common mechanism of disease (HGMD)

NM_000088.4(COL1A1):c.2405G>A (p.Arg802His)

Gene: COL1A1 (collagen type I alpha 1 chain; minus strand). Cytogenetic location: 17q21.33.
Variant type: single nucleotide variant.
Coding change: c.2405G>A on transcript NM_000088.4 (MANE Select); coding-DNA position 2405, G replaced by A.
Protein change: p.Arg802His; replaces arginine 802 with histidine.
Molecular consequence: missense variant.
Genome position (GRCh38, 1-based): chr17:50,190,373, C>T on the plus strand (G>A on the coding strand, the complement: COL1A1 is on the minus strand). VCF-style: chr17-50190373-C-T. GRCh37 (hg19) VCF-style: chr17-48267734-C-T.
Other names: short protein forms R802H.
Identifiers: ClinVar variation 577520 (VCV000577520.13), dbSNP rs556916354, ClinGen allele CA8644817.